The following is an entry in ClinVar:

ClinVar aggregate classification (germline): Uncertain significance. Review status: criteria provided, multiple submitters, no conflicts (2 of 4 stars). 2 submissions from 2 submitters: Uncertain significance (2). Last evaluated 2023-09-28.

Conditions:
POLD1-related polyposis and colorectal cancer syndrome (CRCS10). Also called: Colorectal cancer 10; COLORECTAL CANCER, SUSCEPTIBILITY TO, ON CHROMOSOME 19q; Colorectal cancer, susceptibility to, 10. Identifiers: Orphanet 220460, MedGen C2675481, MONDO:0012953, OMIM 612591.
Hereditary cancer-predisposing syndrome. Also called: Tumor predisposition; Hereditary Cancer Syndrome; Hereditary neoplastic syndrome; Neoplastic Syndromes, Hereditary. Identifiers: Orphanet 140162, MedGen C0027672, MeSH D009386, MONDO:0015356.

Allele frequency attached by ClinVar (database versions not stated): gnomAD exomes below 0.00001; gnomAD 0.00001.
gnomAD v4.1: 2 of 1,610,884 alleles (0.00012%); highest among the groups gnomAD compares: Admixed American, 0.0017%; no homozygotes.

Submissions (2):

Ambry Genetics
Classification: Uncertain significance for Hereditary cancer-predisposing syndrome. Last evaluated: 2023-09-28. Review status: criteria provided, single submitter. Criteria: Ambry Variant Classification Scheme 2023. Collection method: clinical testing. Allele origin: germline.
Comment: The p.P239S variant (also known as c.715C>T), located in coding exon 5 of the POLD1 gene, results from a C to T substitution at nucleotide position 715. The proline at codon 239 is replaced by serine, an amino acid with similar properties. This amino acid position is conserved. In addition, this alteration is predicted to be tolerated by in silico analysis. Since supporting evidence is limited at this time, the clinical significance of this alteration remains unclear.

Labcorp Genetics (formerly Invitae), Labcorp
Classification: Uncertain significance for POLD1-related polyposis and colorectal cancer syndrome. Last evaluated: 2023-06-11. Review status: criteria provided, single submitter. Criteria: Invitae Variant Classification Sherloc (09022015). Collection method: clinical testing. Allele origin: germline.
Comment: This variant has not been reported in the literature in individuals affected with POLD1-related conditions. In summary, the available evidence is currently insufficient to determine the role of this variant in disease. Therefore, it has been classified as a Variant of Uncertain Significance. Advanced modeling of protein sequence and biophysical properties (such as structural, functional, and spatial information, amino acid conservation, physicochemical variation, residue mobility, and thermodynamic stability) performed at Invitae indicates that this missense variant is not expected to disrupt POLD1 protein function. ClinVar contains an entry for this variant (Variation ID: 964641). This variant is present in population databases (no rsID available, gnomAD no frequency). This sequence change replaces proline, which is neutral and non-polar, with serine, which is neutral and polar, at codon 239 of the POLD1 protein (p.Pro239Ser).

NM_002691.4(POLD1):c.715C>T (p.Pro239Ser)

Gene: POLD1 (DNA polymerase delta 1, catalytic subunit; plus strand). Cytogenetic location: 19q13.33.
Variant type: single nucleotide variant.
Coding change: c.715C>T on transcript NM_002691.4 (MANE Select); coding-DNA position 715, C replaced by T.
Protein change: p.Pro239Ser; replaces proline 239 with serine.
Molecular consequence: missense variant. On other transcripts: non-coding transcript variant (1).
Genome position (GRCh38, 1-based): chr19:50,402,330, C>T. VCF-style: chr19-50402330-C-T. GRCh37 (hg19) VCF-style: chr19-50905587-C-T.
Other names: c.715C>T, p.Pro239Ser (NM_001256849.1, NM_001308632.1); c.715C>T (NM_002691.2); short protein forms P239S.
Identifiers: ClinVar variation 964641 (VCV000964641.10), dbSNP rs1307112941, ClinGen allele CA406974476.